The following is an entry in ClinVar:

NM_002161.6(IARS1):c.848A>G (p.Tyr283Cys)

Gene: IARS1 (isoleucyl-tRNA synthetase 1; minus strand). Cytogenetic location: 9q22.31.
Variant type: single nucleotide variant.
Coding change: c.848A>G on transcript NM_002161.6 (MANE Select); coding-DNA position 848, A replaced by G.
Protein change: p.Tyr283Cys; replaces tyrosine 283 with cysteine.
Molecular consequence: missense variant. On other transcripts: non-coding transcript variant (1).
Genome position (GRCh38, 1-based): chr9:92,277,909, T>C on the plus strand (A>G on the coding strand, the complement: IARS1 is on the minus strand). VCF-style: chr9-92277909-T-C. GRCh37 (hg19) VCF-style: chr9-95040191-T-C.
Other names: c.848A>G, p.Tyr283Cys (NM_001374299.1, NM_001374300.1, NM_001374301.1 and 15 more transcripts); c.911A>G, p.Tyr304Cys (NM_001378569.1); c.725A>G, p.Tyr242Cys (NM_001378583.1); c.848A>G (NM_013417.2); short protein forms Y304C, Y283C, Y242C.
Identifiers: ClinVar variation 1911385 (VCV001911385.3), dbSNP rs749370371, ClinGen allele CA373805560.

ClinVar aggregate classification (germline): Uncertain significance. Review status: criteria provided, multiple submitters, no conflicts (2 of 4 stars). 2 submissions from 2 submitters: Uncertain significance (2). Last evaluated 2022-06-15.

gnomAD v4.1: 1 of 1,613,844 alleles (0.000062%); highest among the groups gnomAD compares: Admixed American, 0.0017%; no homozygotes.

Submissions (2):

Labcorp Genetics (formerly Invitae), Labcorp
Classification: Uncertain significance. Last evaluated: 2022-06-15. Review status: criteria provided, single submitter. Criteria: Invitae Variant Classification Sherloc (09022015). Collection method: clinical testing. Allele origin: germline.
Comment: This sequence change replaces tyrosine, which is neutral and polar, with cysteine, which is neutral and slightly polar, at codon 283 of the IARS protein (p.Tyr283Cys). The frequency data for this variant in the population databases is considered unreliable, as metrics indicate poor data quality at this position in the gnomAD database. This variant has not been reported in the literature in individuals affected with IARS-related conditions. Algorithms developed to predict the effect of missense changes on protein structure and function output the following: SIFT: "Tolerated"; PolyPhen-2: "Benign"; Align-GVGD: "Class C0". The cysteine amino acid residue is found in multiple mammalian species, which suggests that this missense change does not adversely affect protein function. In summary, the available evidence is currently insufficient to determine the role of this variant in disease. Therefore, it has been classified as a Variant of Uncertain Significance.

Ambry Genetics
Classification: Uncertain significance. Last evaluated: 2022-05-27. Review status: criteria provided, single submitter. Criteria: Ambry Variant Classification Scheme 2023. Collection method: clinical testing. Allele origin: germline.